The following is an entry in ClinVar:

NM_000821.7(GGCX):c.2233A>C (p.Asn745His)

Gene: GGCX (gamma-glutamyl carboxylase; minus strand). Cytogenetic location: 2p11.2.
Variant type: single nucleotide variant.
Coding change: c.2233A>C on transcript NM_000821.7 (MANE Select); coding-DNA position 2233, A replaced by C.
Protein change: p.Asn745His; replaces asparagine 745 with histidine.
Molecular consequence: missense variant.
Genome position (GRCh38, 1-based): chr2:85,549,978, T>G on the plus strand (A>C on the coding strand, the complement: GGCX is on the minus strand). VCF-style: chr2-85549978-T-G. GRCh37 (hg19) VCF-style: chr2-85777101-T-G.
Other names: c.2062A>C, p.Asn688His (NM_001142269.4); short protein forms N688H, N745H.
Identifiers: ClinVar variation 3674417 (VCV003674417.2).

ClinVar aggregate classification (germline): Uncertain significance (1 of 4 stars; one submission).

Submission:

Labcorp Genetics (formerly Invitae), Labcorp
Classification: Uncertain significance. Last evaluated: 2025-02-06. Review status: criteria provided, single submitter. Criteria: Invitae Variant Classification Sherloc (09022015). Collection method: clinical testing. Allele origin: germline.
Comment: This sequence change replaces asparagine, which is neutral and polar, with histidine, which is basic and polar, at codon 745 of the GGCX protein (p.Asn745His). This variant is not present in population databases (gnomAD no frequency). This variant has not been reported in the literature in individuals affected with GGCX-related conditions. An algorithm developed to predict the effect of missense changes on protein structure and function outputs the following: PolyPhen-2: "Benign". The histidine amino acid residue is found in multiple mammalian species, which suggests that this missense change does not adversely affect protein function. In summary, the available evidence is currently insufficient to determine the role of this variant in disease. Therefore, it has been classified as a Variant of Uncertain Significance.